The following is an entry in ClinVar:

ClinVar aggregate classification (germline): Likely benign (1 of 4 stars; one submission).

Allele frequency attached by ClinVar (database versions not stated): ExAC 0.00001; gnomAD 0.00002; TOPMed 0.00002; gnomAD exomes 0.00003; ESP Exome Variant Server 0.00008.
gnomAD v4.1: 53 of 1,613,434 alleles (0.0033%); highest among the groups gnomAD compares: Non-Finnish European, 0.0041%; no homozygotes.

Submission:

CeGaT Center for Human Genetics Tuebingen
Classification: Likely benign. Last evaluated: 2023-04-01. Review status: criteria provided, single submitter. Criteria: CeGaT Center For Human Genetics Tuebingen Variant Classification Criteria Version 2. Collection method: clinical testing. Allele origin: germline. Affected: yes. Observed: 1 variant allele.
Comment: CACNA1I: BP4, BP7

NM_021096.4(CACNA1I):c.5970G>T (p.Leu1990=)

Gene: CACNA1I (calcium voltage-gated channel subunit alpha1 I; plus strand). Cytogenetic location: 22q13.1.
Variant type: single nucleotide variant.
Coding change: c.5970G>T on transcript NM_021096.4 (MANE Select); coding-DNA position 5970, G replaced by T.
Protein change: p.Leu1990=; no amino-acid change (leucine 1990 retained).
Molecular consequence: synonymous variant.
Genome position (GRCh38, 1-based): chr22:39,684,441, G>T. VCF-style: chr22-39684441-G-T. GRCh37 (hg19) VCF-style: chr22-40080446-G-T.
Other names: c.5865G>T, p.Leu1955= (NM_001003406.2).
Identifiers: ClinVar variation 2653165 (VCV002653165.24), dbSNP rs370092336, ClinGen allele CA10245165.
Genomic context (GRCh38, chr22:39,684,441, plus strand): 5'-TGCCAGCCAGAAAGGCCCAGAAAAGGGCACTGGCACTGGAACCCTCCCCAAGATTGCGCT[G>T]CAGGGCTCCTGGGCATCTCTGCGGTCACCAAGGGTCAACTGTACCCTCCTCCGGCAGGTA-3'
Protein context (NP_066919.2, residues 1980-2000): TGTGTLPKIA[Leu1990=]QGSWASLRSP